The following is an entry in ClinVar:

NM_002439.5(MSH3):c.749T>G (p.Val250Gly)

Gene: MSH3 (mutS homolog 3; plus strand). Cytogenetic location: 5q14.1.
Variant type: single nucleotide variant.
Coding change: c.749T>G on transcript NM_002439.5 (MANE Select); coding-DNA position 749, T replaced by G.
Protein change: p.Val250Gly; replaces valine 250 with glycine.
Molecular consequence: missense variant.
Genome position (GRCh38, 1-based): chr5:80,670,266, T>G. VCF-style: chr5-80670266-T-G. GRCh37 (hg19) VCF-style: chr5-79966085-T-G.
Other names: c.749T>G (NM_002439.3); short protein forms V250G.
Identifiers: ClinVar variation 1402451 (VCV001402451.9), dbSNP rs2112812361, ClinGen allele CA360266936.
Genomic context (GRCh38, chr5:80,670,266, plus strand): 5'-CGCCGCTAGAATTACAATACATAGAAATGAAGCAGCAGCACAAAGATGCAGTTTTGTGTG[T>G]GGAATGTGGATATAAGTATAGATTCTTTGGGGAAGATGCAGAGGTAAGTCGTCTTTTCAG-3'
Protein context (NP_002430.3, residues 240-260): KQQHKDAVLC[Val250Gly]ECGYKYRFFG

ClinVar aggregate classification (germline): Uncertain significance. Review status: criteria provided, multiple submitters, no conflicts (2 of 4 stars). 2 submissions from 2 submitters: Uncertain significance (2). Last evaluated 2024-07-03.

Conditions:
Hereditary cancer-predisposing syndrome. Also called: Hereditary neoplastic syndrome; Hereditary Cancer Syndrome; Neoplastic Syndromes, Hereditary; Tumor predisposition. Identifiers: Orphanet 140162, MedGen C0027672, MeSH D009386, MONDO:0015356.

Submissions (2):

Ambry Genetics
Classification: Uncertain significance for Hereditary cancer-predisposing syndrome. Last evaluated: 2024-07-03. Review status: criteria provided, single submitter. Criteria: Ambry Variant Classification Scheme 2023. Collection method: clinical testing. Allele origin: germline.
Comment: The p.V250G variant (also known as c.749T>G), located in coding exon 4 of the MSH3 gene, results from a T to G substitution at nucleotide position 749. The valine at codon 250 is replaced by glycine, an amino acid with dissimilar properties. This amino acid position is conserved. In addition, this alteration is predicted to be deleterious by in silico analysis. Based on the available evidence, the clinical significance of this variant remains unclear.

Labcorp Genetics (formerly Invitae), Labcorp
Classification: Uncertain significance. Last evaluated: 2022-02-20. Review status: criteria provided, single submitter. Criteria: Invitae Variant Classification Sherloc (09022015). Collection method: clinical testing. Allele origin: germline.
Comment: In summary, the available evidence is currently insufficient to determine the role of this variant in disease. Therefore, it has been classified as a Variant of Uncertain Significance. Algorithms developed to predict the effect of missense changes on protein structure and function are either unavailable or do not agree on the potential impact of this missense change (SIFT: "Deleterious"; PolyPhen-2: "Probably Damaging"; Align-GVGD: "Class C0"). This variant has not been reported in the literature in individuals affected with MSH3-related conditions. This variant is not present in population databases (gnomAD no frequency). This sequence change replaces valine, which is neutral and non-polar, with glycine, which is neutral and non-polar, at codon 250 of the MSH3 protein (p.Val250Gly).